The following is an entry in ClinVar:

ClinVar aggregate classification (germline): Uncertain significance (1 of 4 stars; one submission).

Conditions:
MHC class I deficiency. Identifiers: Orphanet 34592, MedGen C6024714, MONDO:0011476.

Allele frequency attached by ClinVar (database versions not stated): ExAC 0.00001; gnomAD exomes 0.00002.

Submission:

Labcorp Genetics (formerly Invitae), Labcorp
Classification: Uncertain significance for MHC class I deficiency 1. Last evaluated: 2021-06-13. Review status: criteria provided, single submitter. Criteria: Invitae Variant Classification Sherloc (09022015). Collection method: clinical testing. Allele origin: germline.
Comment: This sequence change replaces arginine with tryptophan at codon 417 of the TAP1 protein (p.Arg417Trp). The arginine residue is weakly conserved and there is a moderate physicochemical difference between arginine and tryptophan. This variant is present in population databases (rs777930194, ExAC 0.006%). This variant has not been reported in the literature in individuals with TAP1-related conditions. Algorithms developed to predict the effect of missense changes on protein structure and function are either unavailable or do not agree on the potential impact of this missense change (SIFT: "Deleterious"; PolyPhen-2: "Possibly Damaging"; Align-GVGD: "Class C0"). In summary, the available evidence is currently insufficient to determine the role of this variant in disease. Therefore, it has been classified as a Variant of Uncertain Significance.

NM_000593.6(TAP1):c.1069C>T (p.Arg357Trp)

Gene: TAP1 (transporter 1, ATP binding cassette subfamily B member; minus strand). Cytogenetic location: 6p21.32.
Variant type: single nucleotide variant.
Coding change: c.1069C>T on transcript NM_000593.6 (MANE Select); coding-DNA position 1069, C replaced by T.
Protein change: p.Arg357Trp; replaces arginine 357 with tryptophan.
Molecular consequence: missense variant.
Genome position (GRCh38, 1-based): chr6:32,850,499, G>A on the plus strand (C>T on the coding strand, the complement: TAP1 is on the minus strand). VCF-style: chr6-32850499-G-A. GRCh37 (hg19) VCF-style: chr6-32818276-G-A.
Other names: c.466C>T, p.Arg156Trp (NM_001292022.2); short protein forms R357W, R156W.
Identifiers: ClinVar variation 1521556 (VCV001521556.8), dbSNP rs777930194, ClinGen allele CA3746862.